The following is an entry in ClinVar:

ClinVar aggregate classification (germline): Uncertain significance (1 of 4 stars; one submission).

Conditions:
Hereditary cancer-predisposing syndrome. Also called: Neoplastic Syndromes, Hereditary; Tumor predisposition; Hereditary Cancer Syndrome; Hereditary neoplastic syndrome. Identifiers: Orphanet 140162, MedGen C0027672, MeSH D009386, MONDO:0015356.

Submission:

Ambry Genetics
Classification: Uncertain significance for Hereditary cancer-predisposing syndrome. Last evaluated: 2026-04-04. Review status: criteria provided, single submitter. Criteria: Ambry Variant Classification Scheme 2023. Collection method: clinical testing. Allele origin: germline.
Comment: The p.P2331S variant (also known as c.6991C>T), located in coding exon 15 of the APC gene, results from a C to T substitution at nucleotide position 6991. The proline at codon 2331 is replaced by serine, an amino acid with similar properties. This amino acid position is conserved. In addition, in silico predictors for this gene do not accurately predict pathogenicity. Based on the available evidence, the clinical significance of this variant remains unclear.

NM_000038.6(APC):c.6991C>T (p.Pro2331Ser)

Gene: APC (APC regulator of Wnt signaling pathway; plus strand). Cytogenetic location: 5q22.2.
Variant type: single nucleotide variant.
Coding change: c.6991C>T on transcript NM_000038.6 (MANE Select); coding-DNA position 6991, C replaced by T.
Protein change: p.Pro2331Ser; replaces proline 2331 with serine.
Molecular consequence: missense variant. On other transcripts: non-coding transcript variant (2).
Genome position (GRCh38, 1-based): chr5:112,842,585, C>T. VCF-style: chr5-112842585-C-T. GRCh37 (hg19) VCF-style: chr5-112178282-C-T.
Other names: c.6991C>T, p.Pro2331Ser (NM_001127510.3, NM_001354895.2, NM_001407450.1); c.6937C>T, p.Pro2313Ser (NM_001127511.3); c.7045C>T, p.Pro2349Ser (NM_001354896.2, NM_001407447.1, NM_001407448.1 and 1 more transcripts); c.7021C>T, p.Pro2341Ser (NM_001354897.2); c.6916C>T, p.Pro2306Ser (NM_001354898.2); c.6907C>T, p.Pro2303Ser (NM_001354899.2); c.6868C>T, p.Pro2290Ser (NM_001354900.2); c.6814C>T, p.Pro2272Ser (NM_001354901.2, NM_001407453.1); and 11 more; short protein forms P1947S, P2048S, P2171S, P2202S, P2205S, P2230S, P2240S, P2248S.
Identifiers: ClinVar variation 4861114 (VCV004861114.1).